The following is an entry in ClinVar:

NM_000787.4(DBH):c.120G>A (p.Ser40=)

Gene: DBH (dopamine beta-hydroxylase; plus strand). Cytogenetic location: 9q34.2.
Variant type: single nucleotide variant.
Coding change: c.120G>A on transcript NM_000787.4 (MANE Select); coding-DNA position 120, G replaced by A.
Protein change: p.Ser40=; no amino-acid change (serine 40 retained).
Molecular consequence: synonymous variant.
Genome position (GRCh38, 1-based): chr9:133,636,491, G>A. VCF-style: chr9-133636491-G-A. GRCh37 (hg19) VCF-style: chr9-136501613-G-A.
Identifiers: ClinVar variation 1580887 (VCV001580887.12), dbSNP rs200378894, ClinGen allele CA5312951.

ClinVar aggregate classification (germline): Likely benign. Review status: criteria provided, multiple submitters, no conflicts (2 of 4 stars). 2 submissions from 2 submitters: Likely benign (2). Last evaluated 2026-02-01.

Conditions:
Orthostatic hypotension 1 (ORTHYP1). Also called: Dopamine beta-hydroxylase deficiency; NORADRENALINE DEFICIENCY; NOREPINEPHRINE DEFICIENCY; Orthostatic hypotension 1, due to DBH deficiency. Identifiers: Orphanet 230, MedGen C4746777, MONDO:0009123, OMIM 223360.

Allele frequency attached by ClinVar (database versions not stated): gnomAD exomes 0.00001 and 0.00004; ExAC 0.00003; ESP Exome Variant Server 0.00008; gnomAD 0.00009; TOPMed 0.00010; 1000 Genomes Project 30x 0.00016; 1000 Genomes Project 0.00020.
gnomAD v4.1: 29 of 1,613,232 alleles (0.0018%); highest among the groups gnomAD compares: African/African-American, 0.024%; no homozygotes.

Submissions (2):

CeGaT Center for Human Genetics Tuebingen
Classification: Likely benign. Last evaluated: 2026-02-01. Review status: criteria provided, single submitter. Criteria: CeGaT Center For Human Genetics Tuebingen Variant Classification Criteria Version 2. Collection method: clinical testing. Allele origin: germline. Affected: yes. Observed: 1 variant allele.
Comment: DBH: BP4, BP7

Labcorp Genetics (formerly Invitae), Labcorp
Classification: Likely benign for Orthostatic hypotension 1. Last evaluated: 2024-10-25. Review status: criteria provided, single submitter. Criteria: Invitae Variant Classification Sherloc (09022015). Collection method: clinical testing. Allele origin: germline.